The following is an entry in ClinVar:

NM_000292.3(PHKA2):c.42C>T (p.Tyr14=)

Gene: PHKA2 (phosphorylase kinase regulatory subunit alpha 2; minus strand). Cytogenetic location: Xp22.13.
Variant type: single nucleotide variant.
Coding change: c.42C>T on transcript NM_000292.3 (MANE Select); coding-DNA position 42, C replaced by T.
Protein change: p.Tyr14=; no amino-acid change (tyrosine 14 retained).
Molecular consequence: synonymous variant.
Genome position (GRCh38, 1-based): chrX:18,983,891, G>A on the plus strand (C>T on the coding strand, the complement: PHKA2 is on the minus strand). VCF-style: chrX-18983891-G-A. GRCh37 (hg19) VCF-style: chrX-19002009-G-A.
Identifiers: ClinVar variation 3029323 (VCV003029323.2), dbSNP rs771111943, ClinGen allele CA10362208.
Genomic context (GRCh38, chrX:18,983,891, plus strand): 5'-TCCCTGGGGGCGGTCCCTCCTTACCTGGTAACACAGGATGGTTTGCTGCACCAGCCGCGC[G>A]TACCCGTCCAAGCGGACCCCGGAATTGCTCCTGCTCCGCATCTCCCCGAGGCTCCCAGGC-3'
Protein context (NP_000283.1, residues 4-24): RSNSGVRLDG[Tyr14=]ARLVQQTILC

ClinVar aggregate classification (germline): Likely benign (0 of 4 stars; one submission).

Conditions:
PHKA2-related disorder. Also called: PHKA2-related condition.

Allele frequency attached by ClinVar (database versions not stated): gnomAD 0.00001; TOPMed 0.00002; ExAC 0.00003; gnomAD exomes 0.00005.
gnomAD v4.1: 58 of 1,210,267 alleles (0.0048%); highest among the groups gnomAD compares: Non-Finnish European, 0.0063%; no homozygotes.

Submission:

PreventionGenetics, part of Exact Sciences
Classification: Likely benign for PHKA2-related condition. Last evaluated: 2022-01-25. Review status: no assertion criteria provided. Collection method: clinical testing. Allele origin: germline.
Comment: This variant is classified as likely benign based on ACMG/AMP sequence variant interpretation guidelines (Richards et al. 2015 PMID: 25741868, with internal and published modifications).